The following is an entry in ClinVar:

ClinVar aggregate classification (germline): Benign/Likely benign. Review status: criteria provided, multiple submitters, no conflicts (2 of 4 stars). 7 submissions from 7 submitters: Benign (1); Likely benign (3). 3 of the submissions do not count toward it. Last evaluated 2026-02-01.

Conditions:
GNAT1-related disorder. Also called: GNAT1-related condition.
Congenital stationary night blindness autosomal dominant 3. Also called: NIGHT BLINDNESS, CONGENITAL STATIONARY, NOUGARET TYPE. Identifiers: Orphanet 215, MedGen C1864870, MONDO:0012497, OMIM 610444.

Allele frequency attached by ClinVar (database versions not stated): gnomAD exomes 0.00035; TOPMed 0.00037; gnomAD 0.00039; ExAC 0.00041; ESP Exome Variant Server 0.00062.
gnomAD v4.1: 833 of 1,613,658 alleles (0.052%); highest among the groups gnomAD compares: Non-Finnish European, 0.068%; 1 homozygote.

Submissions (7):

Labcorp Genetics (formerly Invitae), Labcorp
Classification: Likely benign. Last evaluated: 2026-02-01. Review status: criteria provided, single submitter. Criteria: Invitae Variant Classification Sherloc (09022015). Collection method: clinical testing. Allele origin: germline.

Blueprint Genetics
Classification: Likely benign. Last evaluated: 2024-07-08. Review status: criteria provided, single submitter. Criteria: ACMG Guidelines, 2015. Collection method: clinical testing. Allele origin: germline.

CeGaT Center for Human Genetics Tuebingen
Classification: Likely benign. Last evaluated: 2023-06-01. Review status: criteria provided, single submitter. Criteria: CeGaT Center For Human Genetics Tuebingen Variant Classification Criteria Version 2. Collection method: clinical testing. Allele origin: germline. Affected: yes. Observed: 1 variant allele.
Comment: GNAT1: BP4, BP7

Illumina Laboratory Services, Illumina
Classification: Benign for Congenital stationary night blindness autosomal dominant 3. Last evaluated: 2018-01-13. Review status: criteria provided, single submitter. Criteria: ICSL Variant Classification Criteria 13 December 2019. Collection method: clinical testing. Allele origin: germline.
Comment: This variant was observed in the ICSL laboratory as part of a predisposition screen in an ostensibly healthy population. It had not been previously curated by ICSL or reported in the Human Gene Mutation Database (HGMD: prior to June 1st, 2018), and was therefore a candidate for classification through an automated scoring system. Utilizing variant allele frequency, disease prevalence and penetrance estimates, and inheritance mode, an automated score was calculated to assess if this variant is too frequent to cause the disease. Based on the score and internal cut-off values, a variant classified as benign is not then subjected to further curation. The score for this variant resulted in a classification of benign for this disease.

PreventionGenetics, part of Exact Sciences
Classification: Likely benign for GNAT1-related condition. Last evaluated: 2019-11-04. Review status: no assertion criteria provided. Collection method: clinical testing. Allele origin: germline. Not counted in ClinVar's aggregate classification.
Comment: This variant is classified as likely benign based on ACMG/AMP sequence variant interpretation guidelines (Richards et al. 2015 PMID: 25741868, with internal and published modifications).

Clinical Genetics DNA and cytogenetics Diagnostics Lab, Erasmus MC, Erasmus Medical Center
Classification: Likely benign. Review status: no assertion criteria provided. Collection method: clinical testing. Allele origin: germline. Affected: yes. Study: VKGL Data-share Consensus. Not counted in ClinVar's aggregate classification.

Clinical Genetics, Academic Medical Center
Classification: Benign. Review status: no assertion criteria provided. Collection method: clinical testing. Allele origin: germline. Affected: yes. Study: VKGL Data-share Consensus. Not counted in ClinVar's aggregate classification.

NM_144499.3(GNAT1):c.876C>T (p.Tyr292=)

Gene: GNAT1 (G protein subunit alpha transducin 1; plus strand). Cytogenetic location: 3p21.31.
Variant type: single nucleotide variant.
Coding change: c.876C>T on transcript NM_144499.3 (MANE Select); coding-DNA position 876, C replaced by T.
Protein change: p.Tyr292=; no amino-acid change (tyrosine 292 retained).
Molecular consequence: synonymous variant.
Genome position (GRCh38, 1-based): chr3:50,194,778, C>T. VCF-style: chr3-50194778-C-T. GRCh37 (hg19) VCF-style: chr3-50232211-C-T.
Other names: c.876C>T, p.Tyr292= (NM_000172.4).
Identifiers: ClinVar variation 346052 (VCV000346052.43), dbSNP rs142612552, ClinGen allele CA2412755.